The following is an entry in ClinVar:

NM_080680.3(COL11A2):c.4924C>G (p.Leu1642Val)

Gene: COL11A2 (collagen type XI alpha 2 chain; minus strand). Cytogenetic location: 6p21.32.
Variant type: single nucleotide variant.
Coding change: c.4924C>G on transcript NM_080680.3 (MANE Select); coding-DNA position 4924, C replaced by G.
Protein change: p.Leu1642Val; replaces leucine 1642 with valine.
Molecular consequence: missense variant.
Genome position (GRCh38, 1-based): chr6:33,164,413, G>C on the plus strand (C>G on the coding strand, the complement: COL11A2 is on the minus strand). VCF-style: chr6-33164413-G-C. GRCh37 (hg19) VCF-style: chr6-33132190-G-C.
Other names: c.4603C>G, p.Leu1535Val (NM_080679.3); c.4666C>G, p.Leu1556Val (NM_080681.3); short protein forms L1642V, L1556V, L1535V.
Identifiers: ClinVar variation 517184 (VCV000517184.12), dbSNP rs770715075, ClinGen allele CA3749954.
Genomic context (GRCh38, chr6:33,164,413, plus strand): 5'-CGTCACGGGCTGCTCCAGAGCAGGGGTAGGAGACGTCCTGGTGGGCTGAGACGCTGAGCA[G>C]CCGCAGGAAGGTGAGCTGGACCACACCCACTGGGGAGCCCTCTGAGTCCACGTAAGAGAA-3'
Protein context (NP_542411.2, residues 1632-1652): VGVVQLTFLR[Leu1642Val]LSVSAHQDVS

ClinVar aggregate classification (germline): Uncertain significance. Review status: criteria provided, multiple submitters, no conflicts (2 of 4 stars). 5 submissions from 5 submitters: Uncertain significance (5). Last evaluated 2026-08-19.

Conditions:
COL11A2-related disorder. Also called: COL11A2-related disorders; COL11A2-related condition.

Allele frequency attached by ClinVar (database versions not stated): gnomAD 0.00001; gnomAD exomes 0.00001 and 0.00002; TOPMed 0.00002; ExAC 0.00004.
gnomAD v4.1: 30 of 1,599,192 alleles (0.0019%); highest among the groups gnomAD compares: Non-Finnish European, 0.0026%; no homozygotes.

Submissions (5):

GeneDx
Classification: Uncertain significance. Last evaluated: 2026-08-19. Review status: criteria provided, single submitter. Criteria: GeneDx Variant Classification Process June 2021. Collection method: clinical testing. Allele origin: germline.
Comment: Not observed at significant frequency in large population cohorts (gnomAD); In silico analysis supports that this missense variant has a deleterious effect on protein structure/function; Has not been previously published as pathogenic or benign to our knowledge

Labcorp Genetics (formerly Invitae), Labcorp
Classification: Uncertain significance. Last evaluated: 2025-07-03. Review status: criteria provided, single submitter. Criteria: Invitae Variant Classification Sherloc (09022015). Collection method: clinical testing. Allele origin: germline.
Comment: This sequence change replaces leucine, which is neutral and non-polar, with valine, which is neutral and non-polar, at codon 1642 of the COL11A2 protein (p.Leu1642Val). This variant is present in population databases (rs770715075, gnomAD 0.003%). This variant has not been reported in the literature in individuals affected with COL11A2-related conditions. ClinVar contains an entry for this variant (Variation ID: 517184). Invitae Evidence Modeling of protein sequence and biophysical properties (such as structural, functional, and spatial information, amino acid conservation, physicochemical variation, residue mobility, and thermodynamic stability) indicates that this missense variant is expected to disrupt COL11A2 protein function with a positive predictive value of 80%. In summary, the available evidence is currently insufficient to determine the role of this variant in disease. Therefore, it has been classified as a Variant of Uncertain Significance.

PreventionGenetics, part of Exact Sciences
Classification: Uncertain significance for COL11A2-related condition. Last evaluated: 2023-02-24. Review status: criteria provided, single submitter. Criteria: ACMG Guidelines, 2015. Collection method: clinical testing. Allele origin: germline.
Comment: The COL11A2 c.4924C>G variant is predicted to result in the amino acid substitution p.Leu1642Val. To our knowledge, this variant has not been reported in the literature. This variant is reported in 0.0021% of alleles in individuals of European (Non-Finnish) descent in gnomAD. At this time, the clinical significance of this variant is uncertain due to the absence of conclusive functional and genetic evidence.

Blueprint Genetics
Classification: Uncertain significance. Last evaluated: 2022-02-22. Review status: criteria provided, single submitter. Criteria: ACMG Guidelines, 2015. Collection method: clinical testing. Allele origin: germline.

Laboratory for Molecular Medicine, Mass General Brigham Personalized Medicine
Classification: Uncertain significance. Last evaluated: 2017-01-12. Review status: criteria provided, single submitter. Criteria: LMM Criteria. Collection method: clinical testing. Allele origin: germline. Observed: 1 variant allele.
Comment: The p.Leu1642Val variant in COL11A2 has not been previously reported in individu als with hearing loss or in large population studies, but has been identified in 2/28578 European chromosomes by the Exome Aggregation Consortium (ExAC; dbSNP rs770715075). Computational prediction tools and conservation analysis suggest that the p.Leu1642Val variant may impact the prote in, though this information is not predictive enough to determine pathogenicity. In summary, the clinical significance of the p.Leu1642Val variant is uncertain.